The following is an entry in ClinVar:

ClinVar aggregate classification (germline): Uncertain significance (1 of 4 stars; one submission).

Allele frequency attached by ClinVar (database versions not stated): gnomAD exomes below 0.00001.

Submission:

Labcorp Genetics (formerly Invitae), Labcorp
Classification: Uncertain significance. Last evaluated: 2023-04-17. Review status: criteria provided, single submitter. Criteria: Invitae Variant Classification Sherloc (09022015). Collection method: clinical testing. Allele origin: germline.
Comment: In summary, the available evidence is currently insufficient to determine the role of this variant in disease. Therefore, it has been classified as a Variant of Uncertain Significance. Advanced modeling of protein sequence and biophysical properties (such as structural, functional, and spatial information, amino acid conservation, physicochemical variation, residue mobility, and thermodynamic stability) performed at Invitae indicates that this missense variant is not expected to disrupt NEFH protein function. This variant has not been reported in the literature in individuals affected with NEFH-related conditions. This variant is not present in population databases (gnomAD no frequency). This sequence change replaces valine, which is neutral and non-polar, with alanine, which is neutral and non-polar, at codon 820 of the NEFH protein (p.Val820Ala).

NM_021076.4(NEFH):c.2459T>C (p.Val820Ala)

Gene: NEFH (neurofilament heavy chain; plus strand). Cytogenetic location: 22q12.2.
Variant type: single nucleotide variant.
Coding change: c.2459T>C on transcript NM_021076.4 (MANE Select); coding-DNA position 2459, T replaced by C.
Protein change: p.Val820Ala; replaces valine 820 with alanine.
Molecular consequence: missense variant.
Genome position (GRCh38, 1-based): chr22:29,490,099, T>C. VCF-style: chr22-29490099-T-C. GRCh37 (hg19) VCF-style: chr22-29886088-T-C.
Other names: short protein forms V820A.
Identifiers: ClinVar variation 2857312 (VCV002857312.3), dbSNP rs2517979029, ClinGen allele CA411137579.